The following is an entry in ClinVar:

ClinVar aggregate classification (germline): Uncertain significance (1 of 4 stars; one submission).

Conditions:
EP300-related disorder. Also called: EP300-related condition; EP300-related disorders.

gnomAD v4.1: 2 of 1,614,116 alleles (0.00012%); highest among the groups gnomAD compares: East Asian, 0.0022%; no homozygotes.

Submission:

PreventionGenetics, part of Exact Sciences
Classification: Uncertain significance for EP300-related condition. Last evaluated: 2025-08-13. Review status: criteria provided, single submitter. Criteria: ACMG Guidelines, 2015. Collection method: clinical testing. Allele origin: germline.
Comment: The EP300 c.5195G>A variant is predicted to result in the amino acid substitution p.Arg1732His. To our knowledge, this variant has not been reported in the literature or in a large population database (gnomAD), indicating this variant is rare. At this time, the clinical significance of this variant is uncertain due to the absence of conclusive functional and genetic evidence.

NM_001429.4(EP300):c.5195G>A (p.Arg1732His)

Gene: EP300 (EP300 lysine acetyltransferase; plus strand). Cytogenetic location: 22q13.2.
Variant type: single nucleotide variant.
Coding change: c.5195G>A on transcript NM_001429.4 (MANE Select); coding-DNA position 5195, G replaced by A.
Protein change: p.Arg1732His; replaces arginine 1732 with histidine.
Molecular consequence: missense variant.
Genome position (GRCh38, 1-based): chr22:41,176,906, G>A. VCF-style: chr22-41176906-G-A. GRCh37 (hg19) VCF-style: chr22-41572910-G-A.
Other names: c.5117G>A, p.Arg1706His (NM_001362843.2); short protein forms R1706H, R1732H.
Identifiers: ClinVar variation 4994826 (VCV004994826.1).